The following is an entry in ClinVar:

NM_001197104.2(KMT2A):c.2619T>G (p.Ser873Arg)

Gene: KMT2A (lysine methyltransferase 2A; plus strand). Cytogenetic location: 11q23.3.
Variant type: single nucleotide variant.
Coding change: c.2619T>G on transcript NM_001197104.2 (MANE Select); coding-DNA position 2619, T replaced by G.
Protein change: p.Ser873Arg; replaces serine 873 with arginine.
Molecular consequence: missense variant.
Genome position (GRCh38, 1-based): chr11:118,473,778, T>G. VCF-style: chr11-118473778-T-G. GRCh37 (hg19) VCF-style: chr11-118344493-T-G.
Other names: c.2619T>G, p.Ser873Arg (NM_005933.4); c.2718T>G, p.Ser906Arg (NM_001412597.1); short protein forms S873R, S906R.
Identifiers: ClinVar variation 2994504 (VCV002994504.4), dbSNP rs782423928, ClinGen allele CA6303536.

ClinVar aggregate classification (germline): Conflicting classifications of pathogenicity. Review status: criteria provided, conflicting classifications (1 of 4 stars). 2 submissions from 2 submitters: Uncertain significance (1); Likely benign (1). Last evaluated 2025-11-06.

Allele frequency attached by ClinVar (database versions not stated): ExAC 0.00001; gnomAD 0.00001; gnomAD exomes 0.00001.

Submissions (2):

Labcorp Genetics (formerly Invitae), Labcorp
Classification: Uncertain significance. Last evaluated: 2025-11-06. Review status: criteria provided, single submitter. Criteria: Invitae Variant Classification Sherloc (09022015). Collection method: clinical testing. Allele origin: germline.
Comment: This sequence change replaces serine, which is neutral and polar, with arginine, which is basic and polar, at codon 873 of the KMT2A protein (p.Ser873Arg). This variant is present in population databases (rs782423928, gnomAD 0.002%). This variant has not been reported in the literature in individuals affected with KMT2A-related conditions. ClinVar contains an entry for this variant (Variation ID: 2994504). Invitae Evidence Modeling of protein sequence and biophysical properties (such as structural, functional, and spatial information, amino acid conservation, physicochemical variation, residue mobility, and thermodynamic stability) indicates that this missense variant is not expected to disrupt KMT2A protein function with a negative predictive value of 95%. In summary, the available evidence is currently insufficient to determine the role of this variant in disease. Therefore, it has been classified as a Variant of Uncertain Significance.

Blueprint Genetics
Classification: Likely benign. Last evaluated: 2022-07-14. Review status: criteria provided, single submitter. Criteria: ACMG Guidelines, 2015. Collection method: clinical testing. Allele origin: germline.